The following is an entry in ClinVar:

ClinVar aggregate classification (germline): Likely pathogenic (1 of 4 stars; one submission).

Submission:

GeneDx
Classification: Likely pathogenic. Last evaluated: 2022-08-15. Review status: criteria provided, single submitter. Criteria: GeneDx Variant Classification Process June 2021. Collection method: clinical testing. Allele origin: germline. Affected: yes.
Comment: Not observed at significant frequency in large population cohorts (gnomAD); In silico analysis supports that this missense variant has a deleterious effect on protein structure/function; Has not been previously published as pathogenic or benign to our knowledge

NM_001069.3(TUBB2A):c.935C>G (p.Thr312Arg)

Gene: TUBB2A (tubulin beta 2A class IIa; minus strand). Cytogenetic location: 6p25.2.
Variant type: single nucleotide variant.
Coding change: c.935C>G on transcript NM_001069.3 (MANE Select); coding-DNA position 935, C replaced by G.
Protein change: p.Thr312Arg; replaces threonine 312 with arginine.
Molecular consequence: missense variant.
Genome position (GRCh38, 1-based): chr6:3,154,266, G>C on the plus strand (C>G on the coding strand, the complement: TUBB2A is on the minus strand). VCF-style: chr6-3154266-G-C. GRCh37 (hg19) VCF-style: chr6-3154500-G-C.
Other names: c.680C>G, p.Thr227Arg (NM_001310315.2); short protein forms T227R, T312R.
Identifiers: ClinVar variation 2430935 (VCV002430935.1), dbSNP rs1762595316, ClinGen allele CA362591624.
Genomic context (GRCh38, chr6:3,154,266, plus strand): 5'-TTGAGCATCTGCTCGTCCACCTCCTTCATGGACATGCGGCCCCGGAAGATGGCAGCCACC[G>C]TCAGGTAGCGGCCGTGGCGCGGGTCGCAGGCGGCCATCATGTTCTTGGAGTCGAACATCT-3'
Protein context (NP_001060.1, residues 302-322): ACDPRHGRYL[Thr312Arg]VAAIFRGRMS